The following is an entry in ClinVar:

NM_000020.3(ACVRL1):c.1293T>C (p.Asn431=)

Gene: ACVRL1 (activin A receptor like type 1; plus strand). Cytogenetic location: 12q13.13.
Variant type: single nucleotide variant.
Coding change: c.1293T>C on transcript NM_000020.3 (MANE Select); coding-DNA position 1293, T replaced by C.
Protein change: p.Asn431=; no amino-acid change (asparagine 431 retained).
Molecular consequence: synonymous variant.
Genome position (GRCh38, 1-based): chr12:51,919,031, T>C. VCF-style: chr12-51919031-T-C. GRCh37 (hg19) VCF-style: chr12-52312815-T-C.
Other names: c.1293T>C, p.Asn431= (NM_001077401.2, NM_001406487.1, NM_001406488.1 and 1 more transcripts); c.1137T>C, p.Asn379= (NM_001406490.1); c.981T>C, p.Asn327= (NM_001406491.1, NM_001406492.1, NM_001406493.1); c.783T>C, p.Asn261= (NM_001406494.1); c.729T>C, p.Asn243= (NM_001406495.1).
Identifiers: ClinVar variation 3771590 (VCV003771590.14).
Genomic context (GRCh38, chr12:51,919,031, plus strand): 5'-TTCTCCATTTCCAGGCATCGTGGAGGACTATAGACCACCCTTCTATGATGTGGTGCCCAA[T>C]GACCCCAGCTTTGAGGACATGAAGAAGGTGGTGTGTGTGGATCAGCAGACCCCCACCATC-3'
Protein context (NP_000011.2, residues 421-441): YRPPFYDVVP[Asn431=]DPSFEDMKKV

ClinVar aggregate classification (germline): Likely benign. Review status: criteria provided, multiple submitters, no conflicts (2 of 4 stars). 2 submissions from 2 submitters: Likely benign (2). Last evaluated 2024-12-01.

gnomAD v4.1: 3 of 1,614,166 alleles (0.00019%); highest among the groups gnomAD compares: Non-Finnish European, 0.00025%; no homozygotes.

Submissions (2):

CeGaT Center for Human Genetics Tuebingen
Classification: Likely benign. Last evaluated: 2024-12-01. Review status: criteria provided, single submitter. Criteria: CeGaT Center For Human Genetics Tuebingen Variant Classification Criteria Version 2. Collection method: clinical testing. Allele origin: germline. Affected: yes. Observed: 1 variant allele.
Comment: ACVRL1: BP4, BP7

Blueprint Genetics
Classification: Likely benign. Last evaluated: 2023-12-27. Review status: criteria provided, single submitter. Criteria: ACMG Guidelines, 2015. Collection method: clinical testing. Allele origin: germline.